The following is an entry in ClinVar:

ClinVar aggregate classification (germline): Uncertain significance (1 of 4 stars; one submission).

Allele frequency attached by ClinVar (database versions not stated): gnomAD 0.00001; TOPMed 0.00001.

Submission:

Greenwood Genetic Center Diagnostic Laboratories, Greenwood Genetic Center
Classification: Uncertain significance. Last evaluated: 2021-08-05. Review status: criteria provided, single submitter. Criteria: ACMG Guidelines, 2015. Collection method: clinical testing. Allele origin: germline. Affected: yes.
Comment: PP3, PM2

NM_014780.5(CUL7):c.2658C>T (p.Ile886=)

Gene: CUL7 (cullin 7; minus strand). Cytogenetic location: 6p21.1.
Variant type: single nucleotide variant.
Coding change: c.2658C>T on transcript NM_014780.5 (MANE Select); coding-DNA position 2658, C replaced by T.
Protein change: p.Ile886=; no amino-acid change (isoleucine 886 retained).
Molecular consequence: synonymous variant.
Genome position (GRCh38, 1-based): chr6:43,046,238, G>A on the plus strand (C>T on the coding strand, the complement: CUL7 is on the minus strand). VCF-style: chr6-43046238-G-A. GRCh37 (hg19) VCF-style: chr6-43013976-G-A.
Other names: c.2754C>T, p.Ile918= (NM_001168370.2, NM_001374872.1); c.2658C>T, p.Ile886= (NM_001374873.1, NM_001374874.1).
Identifiers: ClinVar variation 1334532 (VCV001334532.4), dbSNP rs1169246368, ClinGen allele CA450370108.